The following is an entry in ClinVar:

NM_000030.3(AGXT):c.283G>A (p.Glu95Lys)

Gene: AGXT (alanine--glyoxylate aminotransferase; plus strand). Cytogenetic location: 2q37.3.
Variant type: single nucleotide variant.
Coding change: c.283G>A on transcript NM_000030.3 (MANE Select); coding-DNA position 283, G replaced by A.
Protein change: p.Glu95Lys; replaces glutamic acid 95 with lysine.
Molecular consequence: missense variant.
Genome position (GRCh38, 1-based): chr2:240,869,287, G>A. VCF-style: chr2-240869287-G-A. GRCh37 (hg19) VCF-style: chr2-241808704-G-A.
Other names: short protein forms E95K.
Identifiers: ClinVar variation 204087 (VCV000204087.10), dbSNP rs180177189, ClinGen allele CA275659.
Genomic context (GRCh38, chr2:240,869,287, plus strand): 5'-ACACTGGTCATCTCTGGCTCGGGACACTGTGCCCTGGAGGCCGCCCTGGTCAATGTGCTG[G>A]AGCCTGGGGACTCCTTCCTGGTTGGGGCCAATGGCATTTGGGGGCAGCGAGCCGTGGACA-3'
Protein context (NP_000021.1, residues 85-105): ALEAALVNVL[Glu95Lys]PGDSFLVGAN

ClinVar aggregate classification (germline): Pathogenic. Review status: criteria provided, single submitter (1 of 4 stars). 2 submissions from 2 submitters: Pathogenic (1). 1 of the submissions does not count toward it. Last evaluated 2022-06-20.

Conditions:
Primary hyperoxaluria, type I (HP1). Also called: GLYCOLIC ACIDURIA; HEPATIC AGT DEFICIENCY; OXALOSIS I; Primary hyperoxaluria type 1. Identifiers: Orphanet 416, Orphanet 93598, MedGen C0268164, MONDO:0009823, OMIM 259900. Disease mechanism: loss of function.

Submissions (2):

Labcorp Genetics (formerly Invitae), Labcorp
Classification: Pathogenic. Last evaluated: 2022-06-20. Review status: criteria provided, single submitter. Criteria: Invitae Variant Classification Sherloc (09022015). Collection method: clinical testing. Allele origin: germline.
Comment: This sequence change replaces glutamic acid, which is acidic and polar, with lysine, which is basic and polar, at codon 95 of the AGXT protein (p.Glu95Lys). This variant is not present in population databases (gnomAD no frequency). For these reasons, this variant has been classified as Pathogenic. Experimental studies have shown that this missense change affects AGXT function (PMID: 19479957, 24718375). Advanced modeling of protein sequence and biophysical properties (such as structural, functional, and spatial information, amino acid conservation, physicochemical variation, residue mobility, and thermodynamic stability) performed at Invitae indicates that this missense variant is expected to disrupt AGXT protein function. ClinVar contains an entry for this variant (Variation ID: 204087). This missense change has been observed in individual(s) with AGXT-related conditions (Invitae). In at least one individual the data is consistent with being in trans (on the opposite chromosome) from a pathogenic variant.

Clinical Biochemistry Laboratory, Health Services Laboratory
Classification: Pathogenic for Primary hyperoxaluria, type I. Last evaluated: 2014-11-27. Review status: no assertion criteria provided. Collection method: in vitro. Allele origin: germline. Affected: yes. Not counted in ClinVar's aggregate classification.

Literature cited by the submitters: PubMed 19479957 (cited by Labcorp Genetics (formerly Invitae), Labcorp and Clinical Biochemistry Laboratory, Health Services Laboratory); PubMed 24718375 (cited by Labcorp Genetics (formerly Invitae), Labcorp and Clinical Biochemistry Laboratory, Health Services Laboratory).